The following is an entry in ClinVar:

NM_000204.5(CFI):c.-13G>A

Gene: CFI (complement factor I; minus strand). Cytogenetic location: 4q25.
Variant type: single nucleotide variant.
Coding change: c.-13G>A on transcript NM_000204.5 (MANE Select); 13 bases upstream of the start codon, G replaced by A.
Molecular consequence: 5 prime UTR variant. On other transcripts: non-coding transcript variant (3).
Genome position (GRCh38, 1-based): chr4:109,801,984, C>T on the plus strand (G>A on the coding strand, the complement: CFI is on the minus strand). VCF-style: chr4-109801984-C-T. GRCh37 (hg19) VCF-style: chr4-110723140-C-T.
Other names: c.-13G>A (NM_001318057.2, NM_001331035.2, NM_001375278.1 and 5 more transcripts); c.-197G>A (NM_001375284.1).
Identifiers: ClinVar variation 347177 (VCV000347177.12), dbSNP rs113612355, ClinGen allele CA3042384.

ClinVar aggregate classification (germline): Benign/Likely benign. Review status: criteria provided, multiple submitters, no conflicts (2 of 4 stars). 7 submissions from 7 submitters: Benign (4); Likely benign (1). 2 of the submissions do not count toward it. Last evaluated 2026-01-22.

Conditions:
CFI-related disorder. Also called: CFI-related disorders; CFI-related condition. Identifiers: MedGen CN239325.
Atypical hemolytic-uremic syndrome with I factor anomaly. Also called: HEMOLYTIC UREMIC SYNDROME, ATYPICAL, SUSCEPTIBILITY TO, 3; AHUS, SUSCEPTIBILITY TO, 3. Identifiers: Orphanet 2134, MedGen C2752039, MONDO:0013041, OMIM 612923.

Allele frequency attached by ClinVar (database versions not stated): 1000 Genomes Project 30x 0.00750; 1000 Genomes Project 0.00819; TOPMed 0.01721; ESP Exome Variant Server 0.02022.
gnomAD v4.1: 35,283 of 1,607,486 alleles (2.2%); highest among the groups gnomAD compares: Middle Eastern, 3.4%; 477 homozygotes.

Submissions (7):

Women's Health and Genetics/Laboratory Corporation of America, LabCorp
Classification: Benign. Last evaluated: 2026-01-22. Review status: criteria provided, single submitter. Criteria: LabCorp Variant Classification Summary - May 2015. Collection method: clinical testing. Allele origin: germline.

Genomenon, Inc
Classification: Benign for CFI-related disorder. Last evaluated: 2025-09-26. Review status: criteria provided, single submitter. Criteria: Genomenon Sequence Variant Interpretation Standards - Updated. Collection method: curation. Allele origin: germline. Affected: no.
Comment: CFI c.-13G>A is a variant located in the 5′ untranslated region (5′ UTR). This variant is present at high allele frequency in population databases. In conclusion, we classify CFI c.-13G>A as a benign variant.

Blueprint Genetics
Classification: Likely benign. Last evaluated: 2024-11-26. Review status: criteria provided, single submitter. Criteria: ACMG Guidelines, 2015. Collection method: clinical testing. Allele origin: germline.

Illumina Laboratory Services, Illumina
Classification: Benign for Atypical hemolytic-uremic syndrome with I factor anomaly. Last evaluated: 2018-01-13. Review status: criteria provided, single submitter. Criteria: ICSL Variant Classification Criteria 13 December 2019. Collection method: clinical testing. Allele origin: germline.
Comment: This variant was observed in the ICSL laboratory as part of a predisposition screen in an ostensibly healthy population. It had not been previously curated by ICSL or reported in the Human Gene Mutation Database (HGMD: prior to June 1st, 2018), and was therefore a candidate for classification through an automated scoring system. Utilizing variant allele frequency, disease prevalence and penetrance estimates, and inheritance mode, an automated score was calculated to assess if this variant is too frequent to cause the disease. Based on the score and internal cut-off values, a variant classified as benign is not then subjected to further curation. The score for this variant resulted in a classification of benign for this disease.

Breakthrough Genomics
Classification: Benign. Review status: criteria provided, single submitter. Criteria: ACMG Guidelines, 2015. Collection method: not provided. Allele origin: germline. Inheritance: Autosomal recessive inheritance. Affected: yes.

Genome Diagnostics Laboratory, University Medical Center Utrecht
Classification: Benign. Review status: no assertion criteria provided. Collection method: clinical testing. Allele origin: germline. Affected: yes. Study: VKGL Data-share Consensus. Not counted in ClinVar's aggregate classification.

Joint Genome Diagnostic Labs from Nijmegen and Maastricht, Radboudumc and MUMC+
Classification: Benign. Review status: no assertion criteria provided. Collection method: clinical testing. Allele origin: germline. Affected: yes. Study: VKGL Data-share Consensus. Not counted in ClinVar's aggregate classification.